The following is an entry in ClinVar:

ClinVar aggregate classification (germline): Uncertain significance. Review status: criteria provided, multiple submitters, no conflicts (2 of 4 stars). 2 submissions from 2 submitters: Uncertain significance (2). Last evaluated 2024-07-09.

Conditions:
Primary ciliary dyskinesia. Also called: Ciliary dyskinesia. Identifiers: Orphanet 244, MedGen C0008780, MONDO:0016575, HP:0012265.

Allele frequency attached by ClinVar (database versions not stated): TOPMed 0.00004; ESP Exome Variant Server 0.00008; gnomAD 0.00010 and 0.00011; ExAC 0.00015.
gnomAD v4.1: 99 of 1,608,936 alleles (0.0062%); highest among the groups gnomAD compares: Non-Finnish European, 0.0063%; no homozygotes.

Submissions (2):

Mayo Clinic Laboratories, Mayo Clinic
Classification: Uncertain significance. Last evaluated: 2024-07-09. Review status: criteria provided, single submitter. Criteria: ACMG Guidelines, 2015. Collection method: clinical testing. Allele origin: germline. Observed: 1 variant allele.
Comment: BP4

Labcorp Genetics (formerly Invitae), Labcorp
Classification: Uncertain significance for Primary ciliary dyskinesia. Last evaluated: 2022-07-17. Review status: criteria provided, single submitter. Criteria: Invitae Variant Classification Sherloc (09022015). Collection method: clinical testing. Allele origin: germline.
Comment: This variant has not been reported in the literature in individuals affected with DNAH8-related conditions. In summary, the available evidence is currently insufficient to determine the role of this variant in disease. Therefore, it has been classified as a Variant of Uncertain Significance. Algorithms developed to predict the effect of missense changes on protein structure and function are either unavailable or do not agree on the potential impact of this missense change (SIFT: "Deleterious"; PolyPhen-2: "Not Available"; Align-GVGD: "Class C0"). ClinVar contains an entry for this variant (Variation ID: 969419). This variant is present in population databases (rs148508759, gnomAD 0.04%). This sequence change replaces alanine, which is neutral and non-polar, with aspartic acid, which is acidic and polar, at codon 987 of the DNAH8 protein (p.Ala987Asp).

NM_001206927.2(DNAH8):c.2960C>A (p.Ala987Asp)

Gene: DNAH8 (dynein axonemal heavy chain 8; plus strand). Cytogenetic location: 6p21.2.
Variant type: single nucleotide variant.
Coding change: c.2960C>A on transcript NM_001206927.2 (MANE Select); coding-DNA position 2960, C replaced by A.
Protein change: p.Ala987Asp; replaces alanine 987 with aspartic acid.
Molecular consequence: missense variant.
Genome position (GRCh38, 1-based): chr6:38,803,237, C>A. VCF-style: chr6-38803237-C-A. GRCh37 (hg19) VCF-style: chr6-38771013-C-A.
Other names: p.Ala987Asp; c.2309C>A, p.Ala770Asp (NM_001371.4); short protein forms A770D, A987D.
Identifiers: ClinVar variation 969419 (VCV000969419.8), dbSNP rs148508759, ClinGen allele CA3788679.